The following is an entry in ClinVar:

ClinVar aggregate classification (germline): Conflicting classifications of pathogenicity. Review status: criteria provided, conflicting classifications (1 of 4 stars). 5 submissions from 5 submitters: Uncertain significance (4); Benign (1). Last evaluated 2025-10-28.

Conditions:
Hereditary cancer-predisposing syndrome. Also called: Hereditary Cancer Syndrome; Tumor predisposition; Neoplastic Syndromes, Hereditary; Hereditary neoplastic syndrome. Identifiers: Orphanet 140162, MedGen C0027672, MeSH D009386, MONDO:0015356.
Fanconi anemia complementation group O. Also called: RAD51C-Related Fanconi Anemia. Identifiers: Orphanet 84, MedGen C3150653, MONDO:0013248, OMIM 613390.

Allele frequency attached by ClinVar (database versions not stated): TOPMed 0.00001.

Submissions (5):

Ambry Genetics
Classification: Benign for Hereditary cancer-predisposing syndrome. Last evaluated: 2025-10-28. Review status: criteria provided, single submitter. Criteria: Ambry Variant Classification Scheme 2023. Collection method: clinical testing. Allele origin: germline.

Labcorp Genetics (formerly Invitae), Labcorp
Classification: Uncertain significance for Fanconi anemia complementation group O. Last evaluated: 2025-07-31. Review status: criteria provided, single submitter. Criteria: Invitae Variant Classification Sherloc (09022015). Collection method: clinical testing. Allele origin: germline.
Comment: This sequence change replaces valine, which is neutral and non-polar, with isoleucine, which is neutral and non-polar, at codon 140 of the RAD51C protein (p.Val140Ile). This variant is not present in population databases (gnomAD no frequency). This variant has not been reported in the literature in individuals affected with RAD51C-related conditions. ClinVar contains an entry for this variant (Variation ID: 182843). Invitae Evidence Modeling of protein sequence and biophysical properties (such as structural, functional, and spatial information, amino acid conservation, physicochemical variation, residue mobility, and thermodynamic stability) indicates that this missense variant is not expected to disrupt RAD51C protein function with a negative predictive value of 80%. In summary, the available evidence is currently insufficient to determine the role of this variant in disease. Therefore, it has been classified as a Variant of Uncertain Significance.

Color Diagnostics, LLC DBA Color Health
Classification: Uncertain significance for Hereditary cancer-predisposing syndrome. Last evaluated: 2020-08-03. Review status: criteria provided, single submitter. Criteria: ACMG Guidelines, 2015. Collection method: clinical testing. Allele origin: germline.
Comment: This missense variant replaces valine with isoleucine at codon 140 of the RAD51C protein. Computational prediction suggests that this variant may not impact protein structure and function (internally defined REVEL score threshold <= 0.5, PMID: 27666373). To our knowledge, functional studies have not been reported for this variant. This variant has not been reported in individuals affected with hereditary cancer in the literature. This variant has not been identified in the general population by the Genome Aggregation Database (gnomAD). The available evidence is insufficient to determine the role of this variant in disease conclusively. Therefore, this variant is classified as a Variant of Uncertain Significance.

Women's Health and Genetics/Laboratory Corporation of America, LabCorp
Classification: Uncertain significance. Last evaluated: 2020-03-20. Review status: criteria provided, single submitter. Criteria: LabCorp Variant Classification Summary - May 2015. Collection method: clinical testing. Allele origin: germline.
Comment: Variant summary: RAD51C c.418G>A (p.Val140Ile) results in a conservative amino acid change located in the DNA recombination and repair protein Rad51-like, C-terminal domain of the encoded protein sequence. Four of five in-silico tools predict a benign effect of the variant on protein function. The variant was absent in 251480 control chromosomes. The available data on variant occurrences in the general population are insufficient to allow any conclusion about variant significance. To our knowledge, no occurrence of c.418G>A in individuals affected with Hereditary Breast and Ovarian Cancer and no experimental evidence demonstrating its impact on protein function have been reported. One clinical diagnostic laboratory has submitted clinical-significance assessments for this variant to ClinVar after 2014 without evidence for independent evaluation. One laboratory classified the variant as uncertain significance. Based on the evidence outlined above, the variant was classified as uncertain significance.

GeneDx
Classification: Uncertain significance. Last evaluated: 2014-10-08. Review status: criteria provided, single submitter. Criteria: GeneDx Variant Classification (06012015). Collection method: clinical testing. Allele origin: germline. Affected: yes.
Comment: This variant is denoted RAD51C c.418G>A at the cDNA level, p.Val140Ile (V140I) at the protein level, and results in the change of a Valine to an Isoleucine (GTA>ATA). This variant has not, to our knowledge, been published in the literature as pathogenic or benign. RAD51C Val140Ile was not observed in approximately 6,500 individuals of European and African American ancestry in the NHLBI Exome Sequencing Project, indicating it is not a common benign variant in these populations. Since Valine and Isoleucine share similar properties, this is considered a conservative amino acid substitution. RAD51C Val140Ile occurs at a position that is well conserved across species and is not located in a known functional domain (French 2003). In silico analyses are inconsistent regarding the effect this variant may have on protein structure and function. Based on currently available information, it is unclear whether RAD51C Val140Ile is pathogenic or benign. We consider it to be a variant of uncertain significance.

NM_058216.3(RAD51C):c.418G>A (p.Val140Ile)

Gene: RAD51C (RAD51 paralog C; plus strand). Cytogenetic location: 17q22.
Variant type: single nucleotide variant.
Coding change: c.418G>A on transcript NM_058216.3 (MANE Select); coding-DNA position 418, G replaced by A.
Protein change: p.Val140Ile; replaces valine 140 with isoleucine.
Molecular consequence: missense variant.
Genome position (GRCh38, 1-based): chr17:58,696,706, G>A. VCF-style: chr17-58696706-G-A. GRCh37 (hg19) VCF-style: chr17-56774067-G-A.
Other names: p.V140I:GTA>ATA; short protein forms V140I.
Identifiers: ClinVar variation 182843 (VCV000182843.20), dbSNP rs730881938, ClinGen allele CA299904.